The following is an entry in ClinVar:

NM_001122630.2(CDKN1C):c.193C>A (p.Arg65Ser)

Gene: CDKN1C (cyclin dependent kinase inhibitor 1C; minus strand). Cytogenetic location: 11p15.4.
Variant type: single nucleotide variant.
Coding change: c.193C>A on transcript NM_001122630.2 (MANE Select); coding-DNA position 193, C replaced by A.
Protein change: p.Arg65Ser; replaces arginine 65 with serine.
Molecular consequence: missense variant.
Genome position (GRCh38, 1-based): chr11:2,885,264, G>T on the plus strand (C>A on the coding strand, the complement: CDKN1C is on the minus strand). VCF-style: chr11-2885264-G-T. GRCh37 (hg19) VCF-style: chr11-2906494-G-T.
Other names: c.226C>A, p.Arg76Ser (NM_000076.2, NM_001362474.2); c.193C>A, p.Arg65Ser (NM_001122631.2, NM_001362475.2); short protein forms R65S, R76S.
Identifiers: ClinVar variation 3252784 (VCV003252784.1), dbSNP rs750526402.
Genomic context (GRCh38, chr11:2,885,264, plus strand): 5'-GCACCGTCTCGCGGTAGAACGCGGGCACCGAGTCGCTGTCCACTTCGGTCCACTGCAGGC[G>T]TCCAGGGCCCCGCAGCGGCATGTCCTGCTGGAAGTCGTAATCCCAGCGGTTCTGGTCCTC-3'
Protein context (NP_001116102.1, residues 55-75): QQDMPLRGPG[Arg65Ser]LQWTEVDSDS

ClinVar aggregate classification (germline): Uncertain significance (1 of 4 stars; one submission).

Submission:

GeneDx
Classification: Uncertain significance. Last evaluated: 2023-12-19. Review status: criteria provided, single submitter. Criteria: GeneDx Variant Classification Process June 2021. Collection method: clinical testing. Allele origin: germline. Affected: yes.
Comment: Not observed at significant frequency in large population cohorts (gnomAD); In silico analysis supports that this missense variant has a deleterious effect on protein structure/function; Has not been previously published as pathogenic or benign to our knowledge